The following is an entry in ClinVar:

NM_000090.4(COL3A1):c.1150-13T>C

Gene: COL3A1 (collagen type III alpha 1 chain; plus strand). Cytogenetic location: 2q32.2.
Variant type: single nucleotide variant.
Coding change: c.1150-13T>C on transcript NM_000090.4 (MANE Select); 13 bases into the intron before coding-DNA position 1150, T replaced by C.
Molecular consequence: intron variant.
Genome position (GRCh38, 1-based): chr2:188,994,025, T>C. VCF-style: chr2-188994025-T-C. GRCh37 (hg19) VCF-style: chr2-189858751-T-C.
Identifiers: ClinVar variation 136842 (VCV000136842.21), dbSNP rs201839712, ClinGen allele CA004097.

ClinVar aggregate classification (germline): Conflicting classifications of pathogenicity. Review status: criteria provided, conflicting classifications (1 of 4 stars). 8 submissions from 8 submitters: Uncertain significance (1); Benign (5); Likely benign (2). Last evaluated 2026-01-28.

Conditions:
Familial thoracic aortic aneurysm and aortic dissection (TAAD). Also called: Thoracic aortic aneurysms and dissections. Identifiers: Orphanet 91387, MedGen C4707243, MONDO:0019625.
Ehlers-Danlos syndrome, type 4 (EDSVASC). Also called: Ehlers-Danlos syndrome vascular type; Ehlers Danlos syndrome, ecchymotic type; Ehlers Danlos syndrome, arterial type; Ehlers Danlos syndrome, Sack-Barabas type; Ehlers-Danlos Syndrome Type IV. Identifiers: Orphanet 286, MedGen C0268338, MONDO:0017314, OMIM 130050.

Allele frequency attached by ClinVar (database versions not stated): gnomAD 0.00006; gnomAD exomes 0.00007 and 0.00011; ESP Exome Variant Server 0.00008; TOPMed 0.00010; ExAC 0.00012.
gnomAD v4.1: 121 of 1,613,082 alleles (0.0075%); highest among the groups gnomAD compares: Admixed American, 0.0083%; no homozygotes.

Submissions (8):

Labcorp Genetics (formerly Invitae), Labcorp
Classification: Benign for Ehlers-Danlos syndrome, type 4. Last evaluated: 2026-01-28. Review status: criteria provided, single submitter. Criteria: Invitae Variant Classification Sherloc (09022015). Collection method: clinical testing. Allele origin: germline.

Women's Health and Genetics/Laboratory Corporation of America, LabCorp
Classification: Benign. Last evaluated: 2024-07-28. Review status: criteria provided, single submitter. Criteria: LabCorp Variant Classification Summary - May 2015. Collection method: clinical testing. Allele origin: germline.

Blueprint Genetics
Classification: Likely benign. Last evaluated: 2024-04-29. Review status: criteria provided, single submitter. Criteria: ACMG Guidelines, 2015. Collection method: clinical testing. Allele origin: germline.

All of Us Research Program, National Institutes of Health
Classification: Benign for Ehlers-Danlos syndrome, type 4. Last evaluated: 2024-02-05. Review status: criteria provided, single submitter. Criteria: ACMG Guidelines, 2015. Collection method: clinical testing. Allele origin: germline. Inheritance: Autosomal dominant inheritance. Observed: 44 variant alleles, 44 heterozygotes.
Comment: This study involves interpretation of variants in research participants for the purpose of population health screening. Participant phenotype was not available at the time of variant classification. Additional details can be found in publication PMID: 35346344, PMCID: PMC8962531

ARUP Laboratories, Molecular Genetics and Genomics, ARUP Laboratories
Classification: Likely benign. Last evaluated: 2021-10-28. Review status: criteria provided, single submitter. Criteria: ARUP Molecular Germline Variant Investigation Process 2021. Collection method: clinical testing. Allele origin: germline.

Color Diagnostics, LLC DBA Color Health
Classification: Benign for Familial thoracic aortic aneurysm and aortic dissection. Last evaluated: 2018-04-20. Review status: criteria provided, single submitter. Criteria: ACMG Guidelines, 2015. Collection method: clinical testing. Allele origin: germline.

Center for Human Genetics, Inc
Classification: Uncertain significance for Ehlers-Danlos syndrome, type 4. Last evaluated: 2016-11-01. Review status: criteria provided, single submitter. Criteria: ACMG Guidelines, 2015. Collection method: clinical testing. Allele origin: germline. Affected: yes.

GeneDx
Classification: Benign. Last evaluated: 2014-02-19. Review status: criteria provided, single submitter. Criteria: GeneDx Variant Classification (06012015). Collection method: clinical testing. Allele origin: germline. Affected: yes.
Comment: This variant is considered likely benign or benign based on one or more of the following criteria: it is a conservative change, it occurs at a poorly conserved position in the protein, it is predicted to be benign by multiple in silico algorithms, and/or has population frequency not consistent with disease.